The following is an entry in ClinVar:

NM_014780.5(CUL7):c.865A>G (p.Arg289Gly)

Gene: CUL7 (cullin 7; minus strand). Cytogenetic location: 6p21.1.
Variant type: single nucleotide variant.
Coding change: c.865A>G on transcript NM_014780.5 (MANE Select); coding-DNA position 865, A replaced by G.
Protein change: p.Arg289Gly; replaces arginine 289 with glycine.
Molecular consequence: missense variant.
Genome position (GRCh38, 1-based): chr6:43,051,336, T>C on the plus strand (A>G on the coding strand, the complement: CUL7 is on the minus strand). VCF-style: chr6-43051336-T-C. GRCh37 (hg19) VCF-style: chr6-43019074-T-C.
Other names: c.961A>G, p.Arg321Gly (NM_001168370.2, NM_001374872.1); c.865A>G, p.Arg289Gly (NM_001374873.1, NM_001374874.1); short protein forms R289G, R321G.
Identifiers: ClinVar variation 3664778 (VCV003664778.2).

ClinVar aggregate classification (germline): Uncertain significance (1 of 4 stars; one submission).

gnomAD v4.1: 7 of 1,611,434 alleles (0.00043%); highest among the groups gnomAD compares: Admixed American, 0.0033%; no homozygotes.

Submission:

Labcorp Genetics (formerly Invitae), Labcorp
Classification: Uncertain significance. Last evaluated: 2024-10-23. Review status: criteria provided, single submitter. Criteria: Invitae Variant Classification Sherloc (09022015). Collection method: clinical testing. Allele origin: germline.
Comment: This sequence change replaces arginine, which is basic and polar, with glycine, which is neutral and non-polar, at codon 289 of the CUL7 protein (p.Arg289Gly). This variant is present in population databases (rs759221102, gnomAD 0.007%). This variant has not been reported in the literature in individuals affected with CUL7-related conditions. An algorithm developed to predict the effect of missense changes on protein structure and function (PolyPhen-2) suggests that this variant is likely to be disruptive. In summary, the available evidence is currently insufficient to determine the role of this variant in disease. Therefore, it has been classified as a Variant of Uncertain Significance.